The following is an entry in ClinVar:

ClinVar aggregate classification (germline): Uncertain significance. Review status: criteria provided, multiple submitters, no conflicts (2 of 4 stars). 2 submissions from 2 submitters: Uncertain significance (2). Last evaluated 2025-12-13.

Conditions:
POLD1-related polyposis and colorectal cancer syndrome (CRCS10). Also called: Colorectal cancer 10; COLORECTAL CANCER, SUSCEPTIBILITY TO, ON CHROMOSOME 19q; Colorectal cancer, susceptibility to, 10. Identifiers: Orphanet 220460, MedGen C2675481, MONDO:0012953, OMIM 612591.
Hereditary cancer-predisposing syndrome. Also called: Tumor predisposition; Neoplastic Syndromes, Hereditary; Hereditary Cancer Syndrome; Hereditary neoplastic syndrome. Identifiers: Orphanet 140162, MedGen C0027672, MeSH D009386, MONDO:0015356.

Allele frequency attached by ClinVar (database versions not stated): gnomAD exomes 0.00001.
gnomAD v4.1: 3 of 1,516,872 alleles (0.0002%); highest among the groups gnomAD compares: Non-Finnish European, 0.00027%; no homozygotes.

Submissions (2):

Ambry Genetics
Classification: Uncertain significance for Hereditary cancer-predisposing syndrome. Last evaluated: 2025-12-13. Review status: criteria provided, single submitter. Criteria: Ambry Variant Classification Scheme 2023. Collection method: clinical testing. Allele origin: germline.
Comment: The p.E940K variant (also known as c.2818G>A), located in coding exon 21 of the POLD1 gene, results from a G to A substitution at nucleotide position 2818. The glutamic acid at codon 940 is replaced by lysine, an amino acid with similar properties. This amino acid position is conserved. In addition, the in silico prediction for this alteration is inconclusive. Since supporting evidence is limited at this time, the clinical significance of this alteration remains unclear.

Labcorp Genetics (formerly Invitae), Labcorp
Classification: Uncertain significance for POLD1-related polyposis and colorectal cancer syndrome. Last evaluated: 2023-09-10. Review status: criteria provided, single submitter. Criteria: Invitae Variant Classification Sherloc (09022015). Collection method: clinical testing. Allele origin: germline.
Comment: An algorithm developed to predict the effect of missense changes on protein structure and function (PolyPhen-2) suggests that this variant is likely to be disruptive. The frequency data for this variant in the population databases is considered unreliable, as metrics indicate poor data quality at this position in the gnomAD database. This variant has not been reported in the literature in individuals affected with POLD1-related conditions. ClinVar contains an entry for this variant (Variation ID: 577700). In summary, the available evidence is currently insufficient to determine the role of this variant in disease. Therefore, it has been classified as a Variant of Uncertain Significance. This sequence change replaces glutamic acid, which is acidic and polar, with lysine, which is basic and polar, at codon 940 of the POLD1 protein (p.Glu940Lys).

NM_002691.4(POLD1):c.2818G>A (p.Glu940Lys)

Gene: POLD1 (DNA polymerase delta 1, catalytic subunit; plus strand). Cytogenetic location: 19q13.33.
Variant type: single nucleotide variant.
Coding change: c.2818G>A on transcript NM_002691.4 (MANE Select); coding-DNA position 2818, G replaced by A.
Protein change: p.Glu940Lys; replaces glutamic acid 940 with lysine.
Molecular consequence: missense variant.
Genome position (GRCh38, 1-based): chr19:50,415,824, G>A. VCF-style: chr19-50415824-G-A. GRCh37 (hg19) VCF-style: chr19-50919081-G-A.
Other names: c.2818G>A, p.Glu940Lys (NM_001256849.1, LRG_785t1); c.2896G>A, p.Glu966Lys (NM_001308632.1, LRG_785t2); short protein forms E966K, E940K.
Identifiers: ClinVar variation 577700 (VCV000577700.13), dbSNP rs1414539977, ClinGen allele CA406986121.
Genomic context (GRCh38, chr19:50,415,824, plus strand): 5'-GACCGCGTCCCCTACGTGATCATCAGTGCCGCCAAGGGTGTGGCCGCCTACATGAAGTCG[G>A]AGGTCAGGCCCACCTGGCTGCCTGCTCCCGCCCAGCCCCCTCGCTCTCACTTCTGCTTTC-3'
Protein context (NP_002682.2, residues 930-950): AKGVAAYMKS[Glu940Lys]DPLFVLEHSL